The following is an entry in ClinVar:

NM_001161352.2(KCNMA1):c.1261G>A (p.Val421Ile)

Gene: KCNMA1 (potassium calcium-activated channel subfamily M alpha 1; minus strand). Cytogenetic location: 10q22.3.
Variant type: single nucleotide variant.
Coding change: c.1261G>A on transcript NM_001161352.2 (MANE Select); coding-DNA position 1261, G replaced by A.
Protein change: p.Val421Ile; replaces valine 421 with isoleucine.
Molecular consequence: missense variant.
Genome position (GRCh38, 1-based): chr10:77,090,473, C>T on the plus strand (G>A on the coding strand, the complement: KCNMA1 is on the minus strand). VCF-style: chr10-77090473-C-T. GRCh37 (hg19) VCF-style: chr10-78850231-C-T.
Other names: c.1261G>A, p.Val421Ile (NM_001014797.3, NM_001161353.2, NM_001322837.2 and 8 more transcripts); c.721G>A, p.Val241Ile (NM_001322838.2); c.1099G>A, p.Val367Ile (NM_001271518.2); short protein forms V241I, V367I, V421I.
Identifiers: ClinVar variation 3369184 (VCV003369184.1).
Genomic context (GRCh38, chr10:77,090,473, plus strand): 5'-CGATCTCCACATTGACGTCATCCCGGTCCTTGTGCAGAAAGTCCTTCAGGAAGTTGGAAA[C>T]ACTCTCCAGAGTGATGTGTCCGCAGACCACAATGTGCCTGAACAGGAGAGGCCAGTTAGA-3'
Protein context (NP_001154824.1, residues 411-431): VVCGHITLES[Val421Ile]SNFLKDFLHK

ClinVar aggregate classification (germline): Uncertain significance (1 of 4 stars; one submission).

Submission:

GeneDx
Classification: Uncertain significance. Last evaluated: 2024-02-14. Review status: criteria provided, single submitter. Criteria: GeneDx Variant Classification Process June 2021. Collection method: clinical testing. Allele origin: germline. Affected: yes.
Comment: Not observed at significant frequency in large population cohorts (gnomAD); In silico analysis supports that this missense variant does not alter protein structure/function; Has not been previously published as pathogenic or benign to our knowledge